The following is an entry in ClinVar:

ClinVar aggregate classification (germline): Conflicting classifications of pathogenicity. Review status: criteria provided, conflicting classifications (1 of 4 stars). 4 submissions from 4 submitters: Uncertain significance (1); Likely benign (2). 1 of the submissions does not count toward it. Last evaluated 2026-09-01.

Conditions:
Spinocerebellar ataxia, autosomal recessive 31. Identifiers: MedGen C5543627, MONDO:0030323, OMIM 619422.
ATG7-related disorder. Also called: ATG7-related condition.
NAFLD1 (FLD1). Also called: Fatty liver disease, nonalcoholic 1; FATTY LIVER DISEASE, SUSCEPTIBILITY TO, 1. Identifiers: MedGen C2750440, MONDO:0021105, OMIM 613282.

Allele frequency attached by ClinVar (database versions not stated): 1000 Genomes Project 0.00040; 1000 Genomes Project 30x 0.00047; ExAC 0.00109; TOPMed 0.00110; gnomAD exomes 0.00120 and 0.00143; ESP Exome Variant Server 0.00069; gnomAD 0.00085 and 0.00087.
gnomAD v4.1: 2,210 of 1,613,304 alleles (0.14%); highest among the groups gnomAD compares: Middle Eastern, 0.5%; 1 homozygote.

Submissions (4):

CeGaT Center for Human Genetics Tuebingen
Classification: Likely benign. Last evaluated: 2026-09-01. Review status: criteria provided, single submitter. Criteria: CeGaT Center For Human Genetics Tuebingen Variant Classification Criteria Version 2. Collection method: clinical testing. Allele origin: germline. Affected: yes. Observed: 5 variant alleles.
Comment: ATG7: BS2

PreventionGenetics, part of Exact Sciences
Classification: Likely benign for ATG7-related condition. Last evaluated: 2025-10-13. Review status: criteria provided, single submitter. Criteria: ACMG Guidelines, 2015. Collection method: clinical testing. Allele origin: germline.
Comment: This variant is classified as likely benign based on ACMG/AMP sequence variant interpretation guidelines (Richards et al. 2015 PMID: 25741868, with internal and published modifications).

Department of Pathology and Laboratory Medicine, Sinai Health System
Classification: Uncertain significance for spinocerebellar ataxia, autosomal recessive 31. Last evaluated: 2023-04-20. Review status: criteria provided, single submitter. Criteria: ACMG Guidelines, 2015. Collection method: research. Allele origin: germline.

Metabolic Liver Diseases Lab, Fondazione IRCCS Ca Granda Policlinico, University of Milan
Classification: Pathogenic for NAFLD1. Last evaluated: 2022-02-24. Review status: no assertion criteria provided. Collection method: case-control, in vitro. Allele origin: germline, not applicable. Affected: yes. Observed: 5 variant alleles. Not counted in ClinVar's aggregate classification.

NM_001349232.2(ATG7):c.1277C>T (p.Pro426Leu)

Gene: ATG7 (autophagy related 7; plus strand). Cytogenetic location: 3p25.3.
Variant type: single nucleotide variant.
Coding change: c.1277C>T on transcript NM_001349232.2 (MANE Select); coding-DNA position 1277, C replaced by T.
Protein change: p.Pro426Leu; replaces proline 426 with leucine.
Molecular consequence: missense variant. On other transcripts: intron variant (1).
Genome position (GRCh38, 1-based): chr3:11,348,028, C>T. VCF-style: chr3-11348028-C-T. GRCh37 (hg19) VCF-style: chr3-11389502-C-T.
Other names: c.1277C>T, p.Pro426Leu (NM_001136031.3, NM_001349233.2, NM_001349234.2 and 2 more transcripts); c.1160C>T, p.Pro387Leu (NM_001144912.2, NM_001349236.2); c.344C>T, p.Pro115Leu (NM_001349238.2); c.1125+5749C>T (NM_001349237.2); short protein forms P115L, P387L, P426L.
Identifiers: ClinVar variation 1677281 (VCV001677281.27), dbSNP rs143545741, ClinGen allele CA2256043.